The following is an entry in ClinVar:

ClinVar aggregate classification (germline): Uncertain significance. Review status: criteria provided, multiple submitters, no conflicts (2 of 4 stars). 2 submissions from 2 submitters: Uncertain significance (2). Last evaluated 2025-05-25.

Conditions:
Inborn genetic diseases. Identifiers: MedGen C0950123, MeSH D030342.
DNA ligase IV deficiency. Identifiers: Orphanet 99812, MedGen C1847827, MONDO:0011686, OMIM 606593.

gnomAD v4.1: 4 of 1,614,004 alleles (0.00025%); highest among the groups gnomAD compares: Admixed American, 0.0033%; no homozygotes.

Submissions (2):

Ambry Genetics
Classification: Uncertain significance for Inborn genetic diseases. Last evaluated: 2025-05-25. Review status: criteria provided, single submitter. Criteria: Ambry Variant Classification Scheme 2023. Collection method: clinical testing. Allele origin: germline.

Labcorp Genetics (formerly Invitae), Labcorp
Classification: Uncertain significance for DNA ligase IV deficiency. Last evaluated: 2024-06-19. Review status: criteria provided, single submitter. Criteria: Invitae Variant Classification Sherloc (09022015). Collection method: clinical testing. Allele origin: germline.
Comment: This sequence change replaces alanine, which is neutral and non-polar, with glycine, which is neutral and non-polar, at codon 702 of the LIG4 protein (p.Ala702Gly). This variant is present in population databases (no rsID available, gnomAD 0.0009%). This variant has not been reported in the literature in individuals affected with LIG4-related conditions. Advanced modeling of protein sequence and biophysical properties (such as structural, functional, and spatial information, amino acid conservation, physicochemical variation, residue mobility, and thermodynamic stability) has been performed at Invitae for this missense variant, however the output from this modeling did not meet the statistical confidence thresholds required to predict the impact of this variant on LIG4 protein function. In summary, the available evidence is currently insufficient to determine the role of this variant in disease. Therefore, it has been classified as a Variant of Uncertain Significance.

NM_206937.2(LIG4):c.2105C>G (p.Ala702Gly)

Gene: LIG4 (DNA ligase 4; minus strand). Cytogenetic location: 13q33.3.
Variant type: single nucleotide variant.
Coding change: c.2105C>G on transcript NM_206937.2 (MANE Select); coding-DNA position 2105, C replaced by G.
Protein change: p.Ala702Gly; replaces alanine 702 with glycine.
Molecular consequence: missense variant.
Genome position (GRCh38, 1-based): chr13:108,209,164, G>C on the plus strand (C>G on the coding strand, the complement: LIG4 is on the minus strand). VCF-style: chr13-108209164-G-C. GRCh37 (hg19) VCF-style: chr13-108861512-G-C.
Other names: c.2105C>G, p.Ala702Gly (NM_001098268.2, NM_001352598.2, NM_001352599.2 and 6 more transcripts); c.1904C>G, p.Ala635Gly (NM_001330595.2); c.2141C>G, p.Ala714Gly (NM_001352604.2); short protein forms A635G, A702G, A714G.
Identifiers: ClinVar variation 3612547 (VCV003612547.2).
Genomic context (GRCh38, chr13:108,209,164, plus strand): 5'-TTGACAACATCATGTTTATTTGACAAAATTATGTTTTTCACTCTGATGTTCTCAGACCCT[G>C]CAATTACACAGTACGTGTCTGGGCCTGGATTTTGTACTATATAACCACCAAATTCTGCAA-3'
Protein context (NP_996820.1, residues 692-712): NPGPDTYCVI[Ala702Gly]GSENIRVKNI